The following is an entry in ClinVar:

ClinVar aggregate classification (germline): Benign. Review status: criteria provided, multiple submitters, no conflicts (2 of 4 stars). 2 submissions from 2 submitters: Benign (2). Last evaluated 2018-06-16.

Allele frequency attached by ClinVar (database versions not stated): gnomAD exomes 0.18966 and 0.19823; ExAC 0.19831; 1000 Genomes Project 0.21026; 1000 Genomes Project 30x 0.21565; gnomAD 0.24447 and 0.25282; TOPMed 0.25339; ESP Exome Variant Server 0.26964.
gnomAD v4.1: 253,561 of 1,241,396 alleles (20%); highest among the groups gnomAD compares: African/African-American, 38%; 28,667 homozygotes.

Submissions (2):

GeneDx
Classification: Benign. Last evaluated: 2018-06-16. Review status: criteria provided, single submitter. Criteria: GeneDx Variant Classification (06012015). Collection method: clinical testing. Allele origin: germline. Affected: yes.
Comment: This variant is considered likely benign or benign based on one or more of the following criteria: it is a conservative change, it occurs at a poorly conserved position in the protein, it is predicted to be benign by multiple in silico algorithms, and/or has population frequency not consistent with disease.

Breakthrough Genomics
Classification: Benign. Review status: criteria provided, single submitter. Criteria: ACMG Guidelines, 2015. Collection method: not provided. Allele origin: germline. Inheritance: Autosomal recessive inheritance. Affected: yes.

NM_006859.4(LIAS):c.1066+37G>A

Gene: LIAS (lipoic acid synthetase; plus strand). Cytogenetic location: 4p14.
Variant type: single nucleotide variant.
Coding change: c.1066+37G>A on transcript NM_006859.4 (MANE Select); 37 bases into the intron after coding-DNA position 1066, G replaced by A.
Molecular consequence: intron variant.
Genome position (GRCh38, 1-based): chr4:39,473,248, G>A. VCF-style: chr4-39473248-G-A. GRCh37 (hg19) VCF-style: chr4-39474868-G-A.
Other names: c.954+1942G>A (NM_194451.3); c.937+37G>A (NM_001278590.2); c.757+37G>A (NM_001363700.2).
Identifiers: ClinVar variation 670682 (VCV000670682.2), dbSNP rs749915, ClinGen allele CA2894859.